The following is an entry in ClinVar:

NM_001394062.1(MACF1):c.12381A>T (p.Glu4127Asp)

Gene: MACF1 (microtubule actin crosslinking factor 1; plus strand). Cytogenetic location: 1p34.3.
Variant type: single nucleotide variant.
Coding change: c.12381A>T on transcript NM_001394062.1 (MANE Select); coding-DNA position 12381, A replaced by T.
Protein change: p.Glu4127Asp; replaces glutamic acid 4127 with aspartic acid.
Molecular consequence: missense variant.
Genome position (GRCh38, 1-based): chr1:39,360,929, A>T. VCF-style: chr1-39360929-A-T. GRCh37 (hg19) VCF-style: chr1-39826601-A-T.
Other names: c.6195A>T, p.Glu2065Asp (NM_012090.5); short protein forms E4127D, E2065D.
Identifiers: ClinVar variation 2849206 (VCV002849206.3), dbSNP rs753968204, ClinGen allele CA781792.

ClinVar aggregate classification (germline): Uncertain significance (1 of 4 stars; one submission).

Allele frequency attached by ClinVar (database versions not stated): ExAC 0.00001.

Submission:

Labcorp Genetics (formerly Invitae), Labcorp
Classification: Uncertain significance. Last evaluated: 2023-10-13. Review status: criteria provided, single submitter. Criteria: Invitae Variant Classification Sherloc (09022015). Collection method: clinical testing. Allele origin: germline.
Comment: This sequence change replaces glutamic acid, which is acidic and polar, with aspartic acid, which is acidic and polar, at codon 2065 of the MACF1 protein (p.Glu2065Asp). This variant is present in population databases (rs753968204, gnomAD 0.003%). This variant has not been reported in the literature in individuals affected with MACF1-related conditions. An algorithm developed to predict the effect of missense changes on protein structure and function (PolyPhen-2) suggests that this variant is likely to be tolerated. In summary, the available evidence is currently insufficient to determine the role of this variant in disease. Therefore, it has been classified as a Variant of Uncertain Significance.